The following is an entry in ClinVar:

NM_003151.4(STAT4):c.544G>A (p.Asp182Asn)

Gene: STAT4 (signal transducer and activator of transcription 4; minus strand). Cytogenetic location: 2q32.2.
Variant type: single nucleotide variant.
Coding change: c.544G>A on transcript NM_003151.4 (MANE Select); coding-DNA position 544, G replaced by A.
Protein change: p.Asp182Asn; replaces aspartic acid 182 with asparagine.
Molecular consequence: missense variant.
Genome position (GRCh38, 1-based): chr2:191,069,693, C>T on the plus strand (G>A on the coding strand, the complement: STAT4 is on the minus strand). VCF-style: chr2-191069693-C-T. GRCh37 (hg19) VCF-style: chr2-191934419-C-T.
Other names: c.544G>A, p.Asp182Asn (NM_001243835.2); short protein forms D182N.
Identifiers: ClinVar variation 1482468 (VCV001482468.8), dbSNP rs1697089289, ClinGen allele CA349918475.
Genomic context (GRCh38, chr2:191,069,693, plus strand): 5'-AACTCTACTCAAGATGCCTTTTTGTCTCTATGCATAATTATAGAAAAAACAAAAACTTAC[C>T]CATTGTCTGAATTGTTTTATACCTGTAGTCAAATTCGTCTTGCAGATCTTCTAAGTATTT-3'
Protein context (NP_003142.1, residues 172-192): DYRYKTIQTM[Asp182Asn]QSDKNSAMVN

ClinVar aggregate classification (germline): Uncertain significance (1 of 4 stars; one submission).

Allele frequency attached by ClinVar (database versions not stated): TOPMed below 0.00001.

Submission:

Labcorp Genetics (formerly Invitae), Labcorp
Classification: Uncertain significance. Last evaluated: 2024-10-16. Review status: criteria provided, single submitter. Criteria: Invitae Variant Classification Sherloc (09022015). Collection method: clinical testing. Allele origin: germline.
Comment: This sequence change replaces aspartic acid, which is acidic and polar, with asparagine, which is neutral and polar, at codon 182 of the STAT4 protein (p.Asp182Asn). This variant also falls at the last nucleotide of exon 6, which is part of the consensus splice site for this exon. This variant is not present in population databases (gnomAD no frequency). This variant has not been reported in the literature in individuals affected with STAT4-related conditions. ClinVar contains an entry for this variant (Variation ID: 1482468). An algorithm developed to predict the effect of missense changes on protein structure and function (PolyPhen-2) suggests that this variant is likely to be tolerated. Variants that disrupt the consensus splice site are a relatively common cause of aberrant splicing (PMID: 17576681, 9536098). Algorithms developed to predict the effect of sequence changes on RNA splicing suggest that this variant may disrupt the consensus splice site. In summary, the available evidence is currently insufficient to determine the role of this variant in disease. Therefore, it has been classified as a Variant of Uncertain Significance.

Literature cited by the submitters: PubMed 17576681; PubMed 9536098.